The following is an entry in ClinVar:

NM_001128840.3(CACNA1D):c.2752-13T>C

Gene: CACNA1D (calcium voltage-gated channel subunit alpha1 D; plus strand). Cytogenetic location: 3p21.1.
Variant type: single nucleotide variant.
Coding change: c.2752-13T>C on transcript NM_001128840.3 (MANE Select); 13 bases into the intron before coding-DNA position 2752, T replaced by C.
Molecular consequence: intron variant.
Genome position (GRCh38, 1-based): chr3:53,740,267, T>C. VCF-style: chr3-53740267-T-C. GRCh37 (hg19) VCF-style: chr3-53774294-T-C.
Other names: c.2752-13T>C (NM_001128839.3); c.2812-13T>C (NM_000720.4).
Identifiers: ClinVar variation 1663934 (VCV001663934.10), dbSNP rs375436277, ClinGen allele CA2454349.

ClinVar aggregate classification (germline): Conflicting classifications of pathogenicity. Review status: criteria provided, conflicting classifications (1 of 4 stars). 3 submissions from 3 submitters: Uncertain significance (1); Likely benign (2). Last evaluated 2026-04-24.

Allele frequency attached by ClinVar (database versions not stated): ESP Exome Variant Server 0.00008; gnomAD exomes 0.00009 and 0.00003; ExAC 0.00003; gnomAD 0.00003 and 0.00004; TOPMed 0.00003.
gnomAD v4.1: 133 of 1,596,528 alleles (0.0083%); highest among the groups gnomAD compares: Non-Finnish European, 0.011%; no homozygotes.

Submissions (3):

Women's Health and Genetics/Laboratory Corporation of America, LabCorp
Classification: Likely benign. Last evaluated: 2026-04-24. Review status: criteria provided, single submitter. Criteria: LabCorp Variant Classification Summary - May 2015. Collection method: clinical testing. Allele origin: germline.

Labcorp Genetics (formerly Invitae), Labcorp
Classification: Likely benign. Last evaluated: 2025-05-26. Review status: criteria provided, single submitter. Criteria: Invitae Variant Classification Sherloc (09022015). Collection method: clinical testing. Allele origin: germline.

GeneDx
Classification: Uncertain significance. Last evaluated: 2025-02-13. Review status: criteria provided, single submitter. Criteria: GeneDx Variant Classification Process June 2021. Collection method: clinical testing. Allele origin: germline. Affected: yes.
Comment: Has not been previously published as pathogenic or benign to our knowledge; In silico analysis is inconclusive as to whether the variant alters gene splicing. In the absence of RNA/functional studies, the actual effect of this sequence change is unknown.